The following is an entry in ClinVar:

NM_020779.4(WDR35):c.2404C>T (p.Arg802Ter)

Gene: WDR35 (WD repeat domain 35; minus strand). Cytogenetic location: 2p24.1.
Variant type: single nucleotide variant.
Coding change: c.2404C>T on transcript NM_020779.4 (MANE Select); coding-DNA position 2404, C replaced by T.
Protein change: p.Arg802Ter; replaces arginine 802 with a stop codon.
Molecular consequence: nonsense.
Genome position (GRCh38, 1-based): chr2:19,936,229, G>A on the plus strand (C>T on the coding strand, the complement: WDR35 is on the minus strand). VCF-style: chr2-19936229-G-A. GRCh37 (hg19) VCF-style: chr2-20135990-G-A.
Other names: c.2437C>T, p.Arg813Ter (NM_001006657.2); short protein forms R802*, R813*.
Identifiers: ClinVar variation 5037968 (VCV005037968.2).

ClinVar aggregate classification (germline): Likely pathogenic (1 of 4 stars; one submission).

Conditions:
Cranioectodermal dysplasia 2 (CED2). Identifiers: Orphanet 1515, MedGen C3150874, MONDO:0013323, OMIM 613610.
Short-rib thoracic dysplasia 7 with or without polydactyly (SRTD7). Also called: SHORT-RIB THORACIC DYSPLASIA 7 WITH POLYDACTYLY; Short rib polydactyly syndrome 5. Identifiers: Orphanet 498497, Orphanet 93271, MedGen C3279792, MONDO:0013569, OMIM 614091.

Submission:

Juno Genomics, Hangzhou Juno Genomics, Inc
Classification: Likely pathogenic for Cranioectodermal dysplasia 2; Short-rib thoracic dysplasia 7 with or without polydactyly. Review status: criteria provided, single submitter. Criteria: ACMG Guidelines, 2015. Collection method: clinical testing. Allele origin: germline.
Comment: Null variant in a gene where loss of function (LOF) is a known mechanism of disease.;Absent from controls (or at extremely low frequency if recessive) in Genome Aggregation Database.